The following is an entry in ClinVar:

ClinVar aggregate classification (germline): Conflicting classifications of pathogenicity. Review status: criteria provided, conflicting classifications (1 of 4 stars). 3 submissions from 3 submitters: Likely pathogenic (1); Uncertain significance (2). Last evaluated 2022-11-08.

Conditions:
Torsion dystonia 6 (DYT6). Also called: DYT-THAP1. Identifiers: Orphanet 98806, MedGen C1414216, MONDO:0011264, OMIM 602629.

Allele frequency attached by ClinVar (database versions not stated): gnomAD exomes below 0.00001 and 0.00002; ExAC 0.00001; TOPMed 0.00003; gnomAD 0.00004; ESP Exome Variant Server 0.00008.
gnomAD v4.1: 34 of 1,613,616 alleles (0.0021%); highest among the groups gnomAD compares: Non-Finnish European, 0.0026%; no homozygotes.

Submissions (3):

Labcorp Genetics (formerly Invitae), Labcorp
Classification: Uncertain significance for Torsion dystonia 6. Last evaluated: 2022-11-08. Review status: criteria provided, single submitter. Criteria: Invitae Variant Classification Sherloc (09022015). Collection method: clinical testing. Allele origin: germline.
Comment: This variant is present in population databases (rs377725442, gnomAD 0.0009%). In summary, the available evidence is currently insufficient to determine the role of this variant in disease. Therefore, it has been classified as a Variant of Uncertain Significance. Algorithms developed to predict the effect of missense changes on protein structure and function (SIFT, PolyPhen-2, Align-GVGD) all suggest that this variant is likely to be tolerated. ClinVar contains an entry for this variant (Variation ID: 444749). This missense change has been observed in individual(s) with primary dystonia (PMID: 20669277). This sequence change replaces aspartic acid, which is acidic and polar, with asparagine, which is neutral and polar, at codon 192 of the THAP1 protein (p.Asp192Asn).

Victorian Clinical Genetics Services, Murdoch Childrens Research Institute
Classification: Uncertain significance for Torsion dystonia 6. Last evaluated: 2021-05-06. Review status: criteria provided, single submitter. Criteria: ACMG Guidelines, 2015. Collection method: clinical testing. Allele origin: germline. Inheritance: Autosomal dominant inheritance.
Comment: Based on the classification scheme VCGS_Germline_v1.3.4, this variant is classified as VUS-3A. Following criteria are met: 0102 - Loss of function is a known mechanism of disease in this gene and is associated with dystonia 6, torsion (MIM#602629). (I) 0107 - This gene is associated with autosomal dominant disease. (I) 0112 - The condition associated with this gene has incomplete penetrance (Genereviews). (I) 0115 - Variants in this gene are known to have variable expressivity (PMID: 21793105). (I) 0200 - Variant is predicted to result in a missense amino acid change from aspartic acid to asparagine. (I) 0251 - This variant is heterozygous. (I) 0302 - Variant is present in gnomAD <0.001 for a dominant condition (v3: 6 heterozygotes, 0 homozygotes). (SP) 0503 - Missense variant consistently predicted to be tolerated by multiple in silico tools or not conserved in placental mammals with a minor amino acid change. (SB) 0604 - Variant is not located in an established domain, motif, hotspot or informative constraint region. (I) 0705 - No comparable missense variants have previous evidence for pathogenicity. (I) 0803 - This variant has limited previous evidence of pathogenicity in unrelated individuals. It has been reported in a patient with cervical dystonia and has been classified as likely pathogenic by a diagnostic laboratory in ClinVar (PMID: 20669277). (SP) 0905 - No published segregation evidence has been identified for this variant. (I) 1007 - No published functional evidence has been identified for this variant. (I) 1208 - Inheritance information for this variant is not currently available in this individual. (I) Legend: (SP) - Supporting pathogenic, (I) - Information, (SB) - Supporting benign

CeGaT Center for Human Genetics Tuebingen
Classification: Likely pathogenic. Last evaluated: 2017-04-01. Review status: criteria provided, single submitter. Criteria: CeGaT Center For Human Genetics Tuebingen Variant Classification Criteria Version 2. Collection method: clinical testing. Allele origin: germline. Affected: yes. Observed: 1 variant allele.

Literature cited by the submitters: PubMed 20669277 (cited by Labcorp Genetics (formerly Invitae), Labcorp and Victorian Clinical Genetics Services, Murdoch Childrens Research Institute); PubMed 21793105 (cited by Victorian Clinical Genetics Services, Murdoch Childrens Research Institute).

NM_018105.3(THAP1):c.574G>A (p.Asp192Asn)

Gene: THAP1 (THAP domain containing 1; minus strand). Cytogenetic location: 8p11.21.
Variant type: single nucleotide variant.
Coding change: c.574G>A on transcript NM_018105.3 (MANE Select); coding-DNA position 574, G replaced by A.
Protein change: p.Asp192Asn; replaces aspartic acid 192 with asparagine.
Molecular consequence: missense variant. On other transcripts: 3 prime UTR variant (1).
Genome position (GRCh38, 1-based): chr8:42,838,030, C>T on the plus strand (G>A on the coding strand, the complement: THAP1 is on the minus strand). VCF-style: chr8-42838030-C-T. GRCh37 (hg19) VCF-style: chr8-42693173-C-T.
Other names: c.*216G>A (NM_199003.2); short protein forms D192N.
Identifiers: ClinVar variation 444749 (VCV000444749.47), dbSNP rs377725442, ClinGen allele CA4734521.